The following is an entry in ClinVar:

ClinVar aggregate classification (germline): Uncertain significance (1 of 4 stars; one submission).

Conditions:
Pyruvate dehydrogenase E2 deficiency (PDHDD). Also called: LACTIC ACIDEMIA DUE TO DEFECT OF E2 LIPOYL TRANSACETYLASE OF THE PYRUVATE DEHYDROGENASE COMPLEX; Dihydrolipoamide Acetyltransferase (E2) Deficiency. Identifiers: Orphanet 765, Orphanet 79244, MedGen C1855565, MONDO:0009502, OMIM 245348.

gnomAD v4.1: 1 of 1,612,246 alleles (0.000062%); highest among the groups gnomAD compares: Non-Finnish European, 0.000085%; no homozygotes.

Submission:

Labcorp Genetics (formerly Invitae), Labcorp
Classification: Uncertain significance for Pyruvate dehydrogenase E2 deficiency. Last evaluated: 2025-08-17. Review status: criteria provided, single submitter. Criteria: Invitae Variant Classification Sherloc (09022015). Collection method: clinical testing. Allele origin: germline.
Comment: This sequence change replaces histidine, which is basic and polar, with tyrosine, which is neutral and polar, at codon 445 of the DLAT protein (p.His445Tyr). This variant is present in population databases (no rsID available, gnomAD 0.007%). This variant has not been reported in the literature in individuals affected with DLAT-related conditions. Invitae Evidence Modeling of protein sequence and biophysical properties (such as structural, functional, and spatial information, amino acid conservation, physicochemical variation, residue mobility, and thermodynamic stability) indicates that this missense variant is expected to disrupt DLAT protein function with a positive predictive value of 80%. In summary, the available evidence is currently insufficient to determine the role of this variant in disease. Therefore, it has been classified as a Variant of Uncertain Significance.

NM_001931.5(DLAT):c.1333C>T (p.His445Tyr)

Gene: DLAT (dihydrolipoamide S-acetyltransferase; plus strand). Cytogenetic location: 11q23.1.
Variant type: single nucleotide variant.
Coding change: c.1333C>T on transcript NM_001931.5 (MANE Select); coding-DNA position 1333, C replaced by T.
Protein change: p.His445Tyr; replaces histidine 445 with tyrosine.
Molecular consequence: missense variant. On other transcripts: non-coding transcript variant (1), intron variant (2).
Genome position (GRCh38, 1-based): chr11:112,045,905, C>T. VCF-style: chr11-112045905-C-T. GRCh37 (hg19) VCF-style: chr11-111916629-C-T.
Other names: c.1333C>T, p.His445Tyr (NM_001372031.1, NM_001372033.1); c.1327C>T, p.His443Tyr (NM_001372032.1); c.1300C>T, p.His434Tyr (NM_001372034.1); c.1207C>T, p.His403Tyr (NM_001372036.1); c.1165C>T, p.His389Tyr (NM_001372037.1); c.1054C>T, p.His352Tyr (NM_001372038.1); c.1018C>T, p.His340Tyr (NM_001372039.1); c.952C>T, p.His318Tyr (NM_001372040.1); and 3 more; short protein forms H318Y, H443Y, H340Y, H403Y, H434Y, H291Y, H352Y, H389Y.
Identifiers: ClinVar variation 4746466 (VCV004746466.1).
Genomic context (GRCh38, chr11:112,045,905, plus strand): 5'-AAATCTCTTTGGTTTCAGGTTATTGCACAGCGATTAATGCAATCAAAGCAAACCATACCT[C>T]ATTATTACCTTTCTATCGATGTAAATATGGGAGAAGTTTTGTTGGTACGGAAAGAACTTA-3'
Protein context (NP_001922.2, residues 435-455): RLMQSKQTIP[His445Tyr]YYLSIDVNMG